The following is an entry in ClinVar:

NM_001292063.2(OTOG):c.8314G>A (p.Ala2772Thr)

Gene: OTOG (otogelin; plus strand). Cytogenetic location: 11p15.1.
Variant type: single nucleotide variant.
Coding change: c.8314G>A on transcript NM_001292063.2 (MANE Select); coding-DNA position 8314, G replaced by A.
Protein change: p.Ala2772Thr; replaces alanine 2772 with threonine.
Molecular consequence: missense variant.
Genome position (GRCh38, 1-based): chr11:17,642,145, G>A. VCF-style: chr11-17642145-G-A. GRCh37 (hg19) VCF-style: chr11-17663692-G-A.
Other names: c.8350G>A, p.Ala2784Thr (NM_001277269.2); short protein forms A2772T, A2784T.
Identifiers: ClinVar variation 3897223 (VCV003897223.2).

ClinVar aggregate classification (germline): Uncertain significance. Review status: criteria provided, multiple submitters, no conflicts (2 of 4 stars). 2 submissions from 2 submitters: Uncertain significance (2). Last evaluated 2024-11-20.

Conditions:
OTOG-related disorder. Also called: OTOG-related condition.

gnomAD v4.1: 27 of 1,545,754 alleles (0.0017%); highest among the groups gnomAD compares: African/African-American, 0.0069%; no homozygotes.

Submissions (2):

PreventionGenetics, part of Exact Sciences
Classification: Uncertain significance for OTOG-related condition. Last evaluated: 2024-11-20. Review status: criteria provided, single submitter. Criteria: ACMG Guidelines, 2015. Collection method: clinical testing. Allele origin: germline.
Comment: The OTOG c.8350G>A variant is predicted to result in the amino acid substitution p.Ala2784Thr. To our knowledge, this variant has not been reported in the literature. This variant is reported in 0.0092% of alleles in individuals of South Asian descent in gnomAD. At this time, the clinical significance of this variant is uncertain due to the absence of conclusive functional and genetic evidence.

GeneDx
Classification: Uncertain significance. Last evaluated: 2024-10-29. Review status: criteria provided, single submitter. Criteria: GeneDx Variant Classification Process June 2021. Collection method: clinical testing. Allele origin: germline. Affected: yes.
Comment: In silico analysis indicates that this missense variant does not alter protein structure/function; Has not been previously published as pathogenic or benign to our knowledge